The following is an entry in ClinVar:

NM_001321075.3(DLG4):c.1454T>C (p.Ile485Thr)

Gene: DLG4 (discs large MAGUK scaffold protein 4; minus strand). Cytogenetic location: 17p13.1.
Variant type: single nucleotide variant.
Coding change: c.1454T>C on transcript NM_001321075.3 (MANE Select); coding-DNA position 1454, T replaced by C.
Protein change: p.Ile485Thr; replaces isoleucine 485 with threonine.
Molecular consequence: missense variant. On other transcripts: non-coding transcript variant (1).
Genome position (GRCh38, 1-based): chr17:7,194,343, A>G on the plus strand (T>C on the coding strand, the complement: DLG4 is on the minus strand). VCF-style: chr17-7194343-A-G. GRCh37 (hg19) VCF-style: chr17-7097662-A-G.
Other names: c.1445T>C, p.Ile482Thr (NM_001128827.4); c.1574T>C, p.Ile525Thr (NM_001321074.1); c.1274T>C, p.Ile425Thr (NM_001321076.3, NM_001321077.3); c.1583T>C, p.Ile528Thr (NM_001365.5); c.1373T>C, p.Ile458Thr (NM_001369566.3); short protein forms I425T, I458T, I482T, I485T, I525T, I528T.
Identifiers: ClinVar variation 5018082 (VCV005018082.1).

ClinVar aggregate classification (germline): Uncertain significance (1 of 4 stars; one submission).

Submission:

GeneDx
Classification: Uncertain significance. Last evaluated: 2026-04-05. Review status: criteria provided, single submitter. Criteria: GeneDx Variant Classification Process June 2021. Collection method: clinical testing. Allele origin: germline.
Comment: Not observed at significant frequency in large population cohorts (gnomAD); In silico analysis supports that this missense variant has a deleterious effect on protein structure/function; Has not been previously published as pathogenic or benign to our knowledge